The following is an entry in ClinVar:

ClinVar aggregate classification (germline): Pathogenic/Likely pathogenic. Review status: criteria provided, multiple submitters, no conflicts (2 of 4 stars). 4 submissions from 4 submitters: Pathogenic (2); Likely pathogenic (2). Last evaluated 2024-09-18.

Conditions:
Episodic ataxia type 2 (EA2). Also called: ATAXIA, EPISODIC, WITH NYSTAGMUS; ATAXIA, FAMILIAL PAROXYSMAL; CEREBELLAR ATAXIA, PAROXYSMAL, ACETAZOLAMIDE-RESPONSIVE; CEREBELLOPATHY, HEREDITARY PAROXYSMAL; ACETAZOLAMIDE-RESPONSIVE HEREDITARY PAROXYSMAL CEREBELLAR ATAXIA; EPISODIC ATAXIA, NYSTAGMUS-ASSOCIATED. Identifiers: Orphanet 97, MedGen C1720416, MONDO:0007163, OMIM 108500.
Developmental and epileptic encephalopathy, 42 (DEE42A). Also called: Epileptic encephalopathy, early infantile, 42; DEVELOPMENTAL AND EPILEPTIC ENCEPHALOPATHY 42A; EPILEPTIC ENCEPHALOPATHY, EARLY INFANTILE, 42A. Identifiers: MedGen C4310716, MONDO:0014917, OMIM 617106.
Spinocerebellar ataxia type 6 (SCA6). Identifiers: Orphanet 98758, MedGen C0752124, MONDO:0008457, OMIM 183086.
Migraine, familial hemiplegic, 1. Also called: MIGRAINE, FAMILIAL HEMIPLEGIC 1, WITH PROGRESSIVE CEREBELLAR ATAXIA. Identifiers: Orphanet 569, MedGen C1832884, MONDO:0020756, OMIM 141500, MONDO:0007714.
Developmental and epileptic encephalopathy, 52 (DEE52). Also called: Epileptic encephalopathy, early infantile, 52. Identifiers: MedGen C4479236, MONDO:0033361, OMIM 617350.

Submissions (4):

GeneDx
Classification: Pathogenic. Last evaluated: 2024-09-18. Review status: criteria provided, single submitter. Criteria: GeneDx Variant Classification Process June 2021. Collection method: clinical testing. Allele origin: germline. Affected: yes.
Comment: In silico analysis supports that this missense variant has a deleterious effect on protein structure/function; Not observed at significant frequency in large population cohorts (gnomAD); Has not been previously published as pathogenic or benign to our knowledge; This variant is associated with the following publications: (PMID: 35722745)

Labcorp Genetics (formerly Invitae), Labcorp
Classification: Pathogenic for Developmental and epileptic encephalopathy, 42; Episodic ataxia type 2. Last evaluated: 2024-02-18. Review status: criteria provided, single submitter. Criteria: Invitae Variant Classification Sherloc (09022015). Collection method: clinical testing. Allele origin: germline.
Comment: This sequence change replaces isoleucine, which is neutral and non-polar, with methionine, which is neutral and non-polar, at codon 712 of the CACNA1A protein (p.Ile712Met). This variant is not present in population databases (gnomAD no frequency). This missense change has been observed in individual(s) with CACNA1A-related conditions (Invitae). In at least one individual the variant was observed to be de novo. ClinVar contains an entry for this variant (Variation ID: 450171). Advanced modeling of protein sequence and biophysical properties (such as structural, functional, and spatial information, amino acid conservation, physicochemical variation, residue mobility, and thermodynamic stability) performed at Invitae indicates that this missense variant is expected to disrupt CACNA1A protein function with a positive predictive value of 95%. This variant disrupts the p.Ile712 amino acid residue in CACNA1A. Other variant(s) that disrupt this residue have been determined to be pathogenic (PMID: 18940563; Invitae). This suggests that this residue is clinically significant, and that variants that disrupt this residue are likely to be disease-causing. For these reasons, this variant has been classified as Pathogenic.

HudsonAlpha Institute for Biotechnology
Classification: Likely pathogenic for Developmental and epileptic encephalopathy, 42; Episodic ataxia type 2; Migraine, familial hemiplegic, 1; Spinocerebellar ataxia type 6. Last evaluated: 2023-12-14. Review status: criteria provided, single submitter. Criteria: ACMG Guidelines, 2015. Collection method: research. Allele origin: unknown. Affected: yes. Observed: 1 variant allele. Study: UCC-HudsonAlpha.

Wendy Chung Laboratory, Boston Children's Hospital
Classification: Likely pathogenic for Developmental and epileptic encephalopathy, 52; Episodic ataxia type 2; Migraine, familial hemiplegic, 1; Spinocerebellar ataxia type 6. Last evaluated: 2022-03-20. Review status: criteria provided, single submitter. Criteria: ACMG Guidelines, 2015. Collection method: clinical testing. Allele origin: de novo. Affected: yes.

Literature cited by the submitters: PubMed 18940563 (cited by Labcorp Genetics (formerly Invitae), Labcorp).

NM_001127222.2(CACNA1A):c.2133C>G (p.Ile711Met)

Gene: CACNA1A (calcium voltage-gated channel subunit alpha1 A; minus strand). Cytogenetic location: 19p13.13.
Variant type: single nucleotide variant.
Coding change: c.2133C>G on transcript NM_001127222.2 (MANE Select); coding-DNA position 2133, C replaced by G.
Protein change: p.Ile711Met; replaces isoleucine 711 with methionine.
Molecular consequence: missense variant.
Genome position (GRCh38, 1-based): chr19:13,303,585, G>C on the plus strand (C>G on the coding strand, the complement: CACNA1A is on the minus strand). VCF-style: chr19-13303585-G-C. GRCh37 (hg19) VCF-style: chr19-13414399-G-C.
Other names: c.2133C>G (NM_001127222.1); c.2136C>G, p.Ile712Met (NM_000068.4, NM_001127221.2, NM_001174080.2 and 1 more transcripts); short protein forms I712M, I711M.
Identifiers: ClinVar variation 450171 (VCV000450171.13), dbSNP rs764839814, ClinGen allele CA404344180.